The following is an entry in ClinVar:

ClinVar aggregate classification (germline): Uncertain significance (1 of 4 stars; one submission).

Conditions:
Dilated cardiomyopathy 1W (CMD1W). Identifiers: Orphanet 154, MedGen C1969639, MONDO:0012667, OMIM 611407.

Allele frequency attached by ClinVar (database versions not stated): gnomAD exomes below 0.00001; TOPMed below 0.00001; gnomAD 0.00001.
gnomAD v4.1: 6 of 1,614,032 alleles (0.00037%); highest among the groups gnomAD compares: East Asian, 0.0022%; no homozygotes.

Submission:

Labcorp Genetics (formerly Invitae), Labcorp
Classification: Uncertain significance for Dilated cardiomyopathy 1W. Last evaluated: 2024-04-20. Review status: criteria provided, single submitter. Criteria: Invitae Variant Classification Sherloc (09022015). Collection method: clinical testing. Allele origin: germline.
Comment: This sequence change replaces methionine, which is neutral and non-polar, with valine, which is neutral and non-polar, at codon 591 of the VCL protein (p.Met591Val). This variant is present in population databases (no rsID available, gnomAD 0.0009%). This variant has not been reported in the literature in individuals affected with VCL-related conditions. ClinVar contains an entry for this variant (Variation ID: 2196029). An algorithm developed to predict the effect of missense changes on protein structure and function (PolyPhen-2) suggests that this variant is likely to be disruptive. In summary, the available evidence is currently insufficient to determine the role of this variant in disease. Therefore, it has been classified as a Variant of Uncertain Significance.

NM_014000.3(VCL):c.1771A>G (p.Met591Val)

Gene: VCL (vinculin; plus strand). Cytogenetic location: 10q22.2.
Variant type: single nucleotide variant.
Coding change: c.1771A>G on transcript NM_014000.3 (MANE Select); coding-DNA position 1771, A replaced by G.
Protein change: p.Met591Val; replaces methionine 591 with valine.
Molecular consequence: missense variant.
Genome position (GRCh38, 1-based): chr10:74,097,231, A>G. VCF-style: chr10-74097231-A-G. GRCh37 (hg19) VCF-style: chr10-75856989-A-G.
Other names: c.1771A>G, p.Met591Val (NM_003373.4); short protein forms M591V.
Identifiers: ClinVar variation 2196029 (VCV002196029.4), dbSNP rs1377142745, ClinGen allele CA377276514.